The following is an entry in ClinVar:

NM_000540.3(RYR1):c.6127+3A>G

Gene: RYR1 (ryanodine receptor 1; plus strand). Cytogenetic location: 19q13.2.
Variant type: single nucleotide variant.
Coding change: c.6127+3A>G on transcript NM_000540.3 (MANE Select); 3 bases into the intron after coding-DNA position 6127, A replaced by G.
Molecular consequence: intron variant.
Genome position (GRCh38, 1-based): chr19:38,490,735, A>G. VCF-style: chr19-38490735-A-G. GRCh37 (hg19) VCF-style: chr19-38981375-A-G.
Other names: c.6127+3A>G (NM_001042723.2).
Identifiers: ClinVar variation 256530 (VCV000256530.20), dbSNP rs78851466, ClinGen allele CA067770.
Genomic context (GRCh38, chr19:38,490,735, plus strand): 5'-CCTGAAGAGATTCGACAGGATTTGCTTGACTTTCATCAAGACCTGCTGGCACACTGTGGT[A>G]AGGAGTGGGGATCAGAGAGTCCTCCCCATGCTAACTTTCTCTCGAGACCTCTCCAGAAGT-3'

ClinVar aggregate classification (germline): Benign/Likely benign. Review status: criteria provided, multiple submitters, no conflicts (2 of 4 stars). 7 submissions from 6 submitters: Benign (5); Likely benign (2). Last evaluated 2026-02-03.

Conditions:
RYR1-related disorder. Also called: RYR1-related condition; RYR1-related disorders. Identifiers: MedGen CN239331.
Malignant hyperthermia, susceptibility to, 1 (MHS1). Also called: RYR1-Related Malignant Hyperthermia Susceptibility; Anesthesia related hyperthermia; Malignant hyperpyrexia; Fulminating hyperpyrexia; Pharmacogenic myopathy; Malignant hyperthermia suceptibility 1. Identifiers: Orphanet 423, MedGen C2930980, MONDO:0007783, OMIM 145600.
Congenital multicore myopathy with external ophthalmoplegia (CMYO1B). Also called: Congenital myopathy 1B, autosomal recessive; Minicore myopathy; MULTICORE MYOPATHY; Minicore myopathy with external ophthalmoplegia; MULTIMINICORE DISEASE WITH EXTERNAL OPHTHALMOPLEGIA. Identifiers: Orphanet 598, Orphanet 98905, MedGen C1850674, MONDO:0009712, OMIM 255320, HP:0003789.

Allele frequency attached by ClinVar (database versions not stated): gnomAD 0.00031 and 0.00048; gnomAD exomes 0.00050 and 0.00117; TOPMed 0.00062; ExAC 0.00115; 1000 Genomes Project 30x 0.00141; 1000 Genomes Project 0.00180.

Submissions (7):

Labcorp Genetics (formerly Invitae), Labcorp
Classification: Benign for RYR1-related disorder. Last evaluated: 2026-02-03. Review status: criteria provided, single submitter. Criteria: Invitae Variant Classification Sherloc (09022015). Collection method: clinical testing. Allele origin: germline.

Blueprint Genetics
Classification: Likely benign. Last evaluated: 2024-11-08. Review status: criteria provided, single submitter. Criteria: ACMG Guidelines, 2015. Collection method: clinical testing. Allele origin: germline.

Color Diagnostics, LLC DBA Color Health
Classification: Benign for Malignant hyperthermia, susceptibility to, 1. Last evaluated: 2022-10-03. Review status: criteria provided, single submitter. Criteria: ACMG Guidelines, 2015. Collection method: clinical testing. Allele origin: germline.

Illumina Laboratory Services, Illumina
Classification: Benign for Congenital multicore myopathy with external ophthalmoplegia. Last evaluated: 2018-01-12. Review status: criteria provided, single submitter. Criteria: ICSL Variant Classification Criteria 13 December 2019. Collection method: clinical testing. Allele origin: germline.
Comment: This variant was observed in the ICSL laboratory as part of a predisposition screen in an ostensibly healthy population. It had not been previously curated by ICSL or reported in the Human Gene Mutation Database (HGMD: prior to June 1st, 2018), and was therefore a candidate for classification through an automated scoring system. Utilizing variant allele frequency, disease prevalence and penetrance estimates, and inheritance mode, an automated score was calculated to assess if this variant is too frequent to cause the disease. Based on the score and internal cut-off values, a variant classified as benign is not then subjected to further curation. The score for this variant resulted in a classification of benign for this disease.

Illumina Laboratory Services, Illumina
Classification: Benign for Malignant hyperthermia, susceptibility to, 1. Last evaluated: 2018-01-12. Review status: criteria provided, single submitter. Criteria: ICSL Variant Classification Criteria 13 December 2019. Collection method: clinical testing. Allele origin: germline.
Comment: the same text as in the submission from Illumina Laboratory Services, Illumina above.

GeneDx
Classification: Likely benign. Last evaluated: 2017-10-23. Review status: criteria provided, single submitter. Criteria: GeneDx Variant Classification (06012015). Collection method: clinical testing. Allele origin: germline. Affected: yes.
Comment: This variant is considered likely benign or benign based on one or more of the following criteria: it is a conservative change, it occurs at a poorly conserved position in the protein, it is predicted to be benign by multiple in silico algorithms, and/or has population frequency not consistent with disease.

PreventionGenetics, part of Exact Sciences
Classification: Benign. Last evaluated: 2016-04-25. Review status: criteria provided, single submitter. Criteria: ACMG Guidelines, 2015. Collection method: clinical testing. Allele origin: germline.